The following is an entry in ClinVar:

NM_000059.4(BRCA2):c.4134_4135del (p.Gln1379fs)

Gene: BRCA2 (BRCA2 DNA repair associated; plus strand). Cytogenetic location: 13q13.1.
Variant type: Deletion.
Coding change: c.4134_4135del on transcript NM_000059.4 (MANE Select); coding-DNA positions 4134 to 4135, 2 bases deleted (TC; older notation c.4134_4135delTC).
Protein change: p.Gln1379fs; shifts the reading frame from glutamine 1379.
Molecular consequence: frameshift variant. On other transcripts: non-coding transcript variant (1), intron variant (2).
Genome position (GRCh38, 1-based): chr13:32,338,489-32,338,490, TC deleted; deleting any 2 consecutive bases within chr13:32,338,488-32,338,490 gives the same sequence; the c. name uses the placement nearest the transcript's 3' end. VCF-style (leftmost placement, unchanged base first): chr13-32338487-ACT-A. GRCh37 (hg19) VCF-style: chr13-32912624-ACT-A.
Other names: c.4134_4135del, p.Gln1379fs (NM_001406719.1, NM_001406720.1); c.1909+5102_1909+5103del (NM_001406721.1); c.425-6069_425-6068del (NM_001406722.1); short protein forms Q1379fs.
Identifiers: ClinVar variation 2758675 (VCV002758675.3), dbSNP rs2548527708, ClinGen allele CA2697551726.

ClinVar aggregate classification (germline): Pathogenic (1 of 4 stars; one submission).

Conditions:
Hereditary breast ovarian cancer syndrome. Also called: Hereditary breast and ovarian cancer syndrome (HBOC); Hereditary breast and/or ovarian cancer syndrome; Hereditary breast and ovarian cancer syndrome; Breast and ovarian cancer; Hereditary breast and ovarian cancer; BRCA1- and BRCA2-Associated Hereditary Breast and Ovarian Cancer. Identifiers: Orphanet 145, MedGen C0677776, MeSH D061325, MONDO:0003582. Disease mechanism: loss of function.

Submission:

Labcorp Genetics (formerly Invitae), Labcorp
Classification: Pathogenic for Hereditary breast ovarian cancer syndrome. Last evaluated: 2025-06-30. Review status: criteria provided, single submitter. Criteria: Invitae Variant Classification Sherloc (09022015). Collection method: clinical testing. Allele origin: germline.
Comment: This sequence change creates a premature translational stop signal (p.Gln1379Aspfs*2) in the BRCA2 gene. It is expected to result in an absent or disrupted protein product. Loss-of-function variants in BRCA2 are known to be pathogenic (PMID: 20104584). This variant is not present in population databases (gnomAD no frequency). This variant has not been reported in the literature in individuals affected with BRCA2-related conditions. ClinVar contains an entry for this variant (Variation ID: 2758675). For these reasons, this variant has been classified as Pathogenic.

Literature cited by the submitters: PubMed 20104584.